The following is an entry in ClinVar:

ClinVar aggregate classification (germline): Uncertain significance (1 of 4 stars; one submission).

Submission:

Labcorp Genetics (formerly Invitae), Labcorp
Classification: Uncertain significance. Last evaluated: 2024-08-29. Review status: criteria provided, single submitter. Criteria: Invitae Variant Classification Sherloc (09022015). Collection method: clinical testing. Allele origin: germline.
Comment: This sequence change replaces glutamine, which is neutral and polar, with lysine, which is basic and polar, at codon 623 of the ZHX3 protein (p.Gln623Lys). This variant is not present in population databases (gnomAD no frequency). This variant has not been reported in the literature in individuals affected with ZHX3-related conditions. An algorithm developed to predict the effect of missense changes on protein structure and function (PolyPhen-2) suggests that this variant is likely to be disruptive. In summary, the available evidence is currently insufficient to determine the role of this variant in disease. Therefore, it has been classified as a Variant of Uncertain Significance.

NM_001384317.1(ZHX3):c.1867C>A (p.Gln623Lys)

Gene: ZHX3 (zinc fingers and homeoboxes 3; minus strand). Cytogenetic location: 20q12.
Variant type: single nucleotide variant.
Coding change: c.1867C>A on transcript NM_001384317.1 (MANE Select); coding-DNA position 1867, C replaced by A.
Protein change: p.Gln623Lys; replaces glutamine 623 with lysine.
Molecular consequence: missense variant.
Genome position (GRCh38, 1-based): chr20:41,203,050, G>T on the plus strand (C>A on the coding strand, the complement: ZHX3 is on the minus strand). VCF-style: chr20-41203050-G-T. GRCh37 (hg19) VCF-style: chr20-39831690-G-T.
Other names: c.1867C>A, p.Gln623Lys (NM_001384315.1, NM_001384316.1, NM_001384318.1 and 8 more transcripts); short protein forms Q623K.
Identifiers: ClinVar variation 3689250 (VCV003689250.2).